The following is an entry in ClinVar:

ClinVar aggregate classification (germline): Uncertain significance. Review status: criteria provided, single submitter (1 of 4 stars). 2 submissions from 2 submitters: Uncertain significance (1). 1 of the submissions does not count toward it. Last evaluated 2021-08-31.

Conditions:
Autosomal recessive nonsyndromic hearing loss 18A. Also called: Deafness, autosomal recessive 18A; DEAFNESS, AUTOSOMAL RECESSIVE 18. Identifiers: Orphanet 90636, MedGen C1865870, MONDO:0011192, OMIM 602092.
Usher syndrome type 1C. Also called: USHER SYNDROME, TYPE I, ACADIAN VARIETY. Identifiers: Orphanet 231169, Orphanet 886, MedGen C1848604, MONDO:0010171, OMIM 276904.

Allele frequency attached by ClinVar (database versions not stated): gnomAD 0.00001; gnomAD exomes 0.00001 and 0.00002; ExAC 0.00002; TOPMed 0.00002.
gnomAD v4.1: 18 of 1,613,800 alleles (0.0011%); highest among the groups gnomAD compares: South Asian, 0.0033%; no homozygotes.

Submissions (2):

Labcorp Genetics (formerly Invitae), Labcorp
Classification: Uncertain significance. Last evaluated: 2021-08-31. Review status: criteria provided, single submitter. Criteria: Invitae Variant Classification Sherloc (09022015). Collection method: clinical testing. Allele origin: germline.
Comment: This sequence change replaces arginine with glutamine at codon 339 of the USH1C protein (p.Arg339Gln). The arginine residue is moderately conserved and there is a small physicochemical difference between arginine and glutamine. This variant is present in population databases (rs765571023, ExAC 0.006%). This missense change has been observed in individual(s) with clinical features of UH1C-related conditions (PMID: 22135276, 25788563). ClinVar contains an entry for this variant (Variation ID: 551086). Algorithms developed to predict the effect of missense changes on protein structure and function output the following: SIFT: "Tolerated"; PolyPhen-2: "Benign"; Align-GVGD: "Class C0". The glutamine amino acid residue is found in multiple mammalian species, which suggests that this missense change does not adversely affect protein function. In summary, the available evidence is currently insufficient to determine the role of this variant in disease. Therefore, it has been classified as a Variant of Uncertain Significance.

Counsyl
Classification: Uncertain significance for Usher syndrome type 1C; Autosomal recessive nonsyndromic hearing loss 18A. Last evaluated: 2017-03-09. Review status: no assertion criteria provided. Collection method: clinical testing. Allele origin: unknown. Not counted in ClinVar's aggregate classification.

Literature cited by the submitters: PubMed 22135276 (cited by Labcorp Genetics (formerly Invitae), Labcorp and Counsyl); PubMed 25788563 (cited by Labcorp Genetics (formerly Invitae), Labcorp and Counsyl).

NM_153676.4(USH1C):c.1016G>A (p.Arg339Gln)

Gene: USH1C (USH1 protein network component harmonin; minus strand). Cytogenetic location: 11p15.1.
Variant type: single nucleotide variant.
Coding change: c.1016G>A on transcript NM_153676.4 (MANE Select); coding-DNA position 1016, G replaced by A.
Protein change: p.Arg339Gln; replaces arginine 339 with glutamine.
Molecular consequence: missense variant. On other transcripts: non-coding transcript variant (1).
Genome position (GRCh38, 1-based): chr11:17,522,787, C>T on the plus strand (G>A on the coding strand, the complement: USH1C is on the minus strand). VCF-style: chr11-17522787-C-T. GRCh37 (hg19) VCF-style: chr11-17544334-C-T.
Other names: c.959G>A, p.Arg320Gln (NM_001297764.2); c.1016G>A, p.Arg339Gln (NM_005709.4); short protein forms R339Q, R320Q.
Identifiers: ClinVar variation 551086 (VCV000551086.4), dbSNP rs765571023, ClinGen allele CA5904766.